The following is an entry in ClinVar:

NM_006059.4(LAMC3):c.3378del (p.Glu1127fs)

Gene: LAMC3 (laminin subunit gamma 3; plus strand). Cytogenetic location: 9q34.12.
Variant type: Deletion.
Coding change: c.3378del on transcript NM_006059.4 (MANE Select); coding-DNA position 3378, one base deleted (A; older notation c.3378delA).
Protein change: p.Glu1127fs; shifts the reading frame from glutamic acid 1127.
Molecular consequence: frameshift variant.
Genome position (GRCh38, 1-based): chr9:131,072,796, A deleted; the last of 2 consecutive A bases (chr9:131,072,795-131,072,796); deleting either gives the same sequence. VCF-style (leftmost placement, unchanged base first): chr9-131072794-GA-G. GRCh37 (hg19) VCF-style: chr9-133948181-GA-G.
Other names: short protein forms E1127fs.
Identifiers: ClinVar variation 2828217 (VCV002828217.3), dbSNP rs2538308956, ClinGen allele CA2739265154.

ClinVar aggregate classification (germline): Pathogenic (1 of 4 stars; one submission).

Submission:

Labcorp Genetics (formerly Invitae), Labcorp
Classification: Pathogenic. Last evaluated: 2023-01-13. Review status: criteria provided, single submitter. Criteria: Invitae Variant Classification Sherloc (09022015). Collection method: clinical testing. Allele origin: germline.
Comment: This sequence change creates a premature translational stop signal (p.Glu1127Argfs*75) in the LAMC3 gene. It is expected to result in an absent or disrupted protein product. Loss-of-function variants in LAMC3 are known to be pathogenic (PMID: 21572413, 26802095). This variant is not present in population databases (gnomAD no frequency). This variant has not been reported in the literature in individuals affected with LAMC3-related conditions. For these reasons, this variant has been classified as Pathogenic.

Literature cited by the submitters: PubMed 21572413; PubMed 26802095.